The following is an entry in ClinVar:

NM_013372.7(GREM1):c.287C>T (p.Thr96Ile)

Gene: GREM1 (gremlin 1, DAN family BMP antagonist; plus strand). Cytogenetic location: 15q13.3.
Variant type: single nucleotide variant.
Coding change: c.287C>T on transcript NM_013372.7 (MANE Select); coding-DNA position 287, C replaced by T.
Protein change: p.Thr96Ile; replaces threonine 96 with isoleucine.
Molecular consequence: missense variant.
Genome position (GRCh38, 1-based): chr15:32,730,977, C>T. VCF-style: chr15-32730977-C-T. GRCh37 (hg19) VCF-style: chr15-33023178-C-T.
Other names: c.77C>T, p.Thr26Ile (NM_001191322.2); c.164C>T, p.Thr55Ile (NM_001191323.2); c.287C>T, p.Thr96Ile (NM_001368719.1); short protein forms T96I, T26I, T55I.
Identifiers: ClinVar variation 4827160 (VCV004827160.1).

ClinVar aggregate classification (germline): Uncertain significance (1 of 4 stars; one submission).

Conditions:
Hereditary cancer-predisposing syndrome. Also called: Neoplastic Syndromes, Hereditary; Tumor predisposition; Hereditary Cancer Syndrome; Hereditary neoplastic syndrome. Identifiers: Orphanet 140162, MedGen C0027672, MeSH D009386, MONDO:0015356.

Submission:

Ambry Genetics
Classification: Uncertain significance for Hereditary cancer-predisposing syndrome. Last evaluated: 2026-03-01. Review status: criteria provided, single submitter. Criteria: Ambry Variant Classification Scheme 2023. Collection method: clinical testing. Allele origin: germline.
Comment: The p.T96I variant (also known as c.287C>T), located in coding exon 1 of the GREM1 gene, results from a C to T substitution at nucleotide position 287. The threonine at codon 96 is replaced by isoleucine, an amino acid with similar properties. This amino acid position is conserved. In addition, the in silico prediction for this alteration is inconclusive. Based on the available evidence, the clinical significance of this variant remains unclear.